The following is an entry in ClinVar:

ClinVar aggregate classification (germline): Likely benign. Review status: criteria provided, multiple submitters, no conflicts (2 of 4 stars). 2 submissions from 2 submitters: Likely benign (2). Last evaluated 2025-07-21.

Conditions:
MYH2-related disorder. Also called: MYH2-related condition.
Myopathy, proximal, and ophthalmoplegia (CMYO6). Also called: MYOPATHY WITH CONGENITAL JOINT CONTRACTURES, OPHTHALMOPLEGIA, AND RIMMED VACUOLES; CONGENITAL MYOPATHY 6 WITH OPHTHALMOPLEGIA; INCLUSION BODY MYOPATHY 3, AUTOSOMAL DOMINANT. Identifiers: Orphanet 363677, Orphanet 79091, MedGen C1854106, MONDO:0011577, OMIM 605637.

Allele frequency attached by ClinVar (database versions not stated): gnomAD 0.00008 and 0.00009; ExAC 0.00011; gnomAD exomes 0.00013; TOPMed 0.00014.
gnomAD v4.1: 205 of 1,614,172 alleles (0.013%); highest among the groups gnomAD compares: South Asian, 0.046%; 1 homozygote.

Submissions (2):

Labcorp Genetics (formerly Invitae), Labcorp
Classification: Likely benign for Myopathy, proximal, and ophthalmoplegia. Last evaluated: 2025-07-21. Review status: criteria provided, single submitter. Criteria: Invitae Variant Classification Sherloc (09022015). Collection method: clinical testing. Allele origin: germline.

PreventionGenetics, part of Exact Sciences
Classification: Likely benign for MYH2-related condition. Last evaluated: 2025-01-14. Review status: criteria provided, single submitter. Criteria: ACMG Guidelines, 2015. Collection method: clinical testing. Allele origin: germline.
Comment: This variant is classified as likely benign based on ACMG/AMP sequence variant interpretation guidelines (Richards et al. 2015 PMID: 25741868, with internal and published modifications).

NM_017534.6(MYH2):c.609T>G (p.Gly203=)

Genes: MYH2 (myosin heavy chain 2; minus strand), MYHAS (myosin heavy chain gene cluster antisense RNA; plus strand), LOC126862501 (CDK7 strongly-dependent group 2 enhancer GRCh37_chr17:10446256-10447455; plus strand). Cytogenetic location: 17p13.1.
Variant type: single nucleotide variant.
Coding change: c.609T>G on transcript NM_017534.6 (MANE Select); coding-DNA position 609, T replaced by G.
Protein change: p.Gly203=; no amino-acid change (glycine 203 retained).
Molecular consequence: synonymous variant.
Genome position (GRCh38, 1-based): chr17:10,543,941, A>C on the plus strand (T>G on the coding strand, the complement: MYH2 is on the minus strand). VCF-style: chr17-10543941-A-C. GRCh37 (hg19) VCF-style: chr17-10447258-A-C.
Other names: c.609T>G, p.Gly203= (NM_001100112.2).
Identifiers: ClinVar variation 706242 (VCV000706242.11), dbSNP rs547575703, ClinGen allele CA8391587.
Genomic context (GRCh38, chr17:10,543,941, plus strand): 5'-GACTGTGACAATCAGACTCACCTGTATTTTGCCAGAAGTAATTTCTTCCTTCTTCTTCTC[A>C]CCAGTAACTGCAATTGTTGCAAAGTACTGGATGACACGCTTGGTGTTCACAGTCTTCCCT-3'
Protein context (NP_060004.3, residues 193-213): IQYFATIAVT[Gly203=]EKKKEEITSG